The following is an entry in ClinVar:

ClinVar aggregate classification (germline): Conflicting classifications of pathogenicity. Review status: criteria provided, conflicting classifications (1 of 4 stars). 2 submissions from 2 submitters: Pathogenic (1); Uncertain significance (1). Last evaluated 2025-09-23.

Conditions:
Retinal dystrophy. Also called: Inherited retinal dystrophy. Identifiers: Orphanet 71862, MedGen C0854723, MeSH D058499, MONDO:0019118, HP:0000556.
Retinitis pigmentosa 25 (RP25). Identifiers: Orphanet 791, MedGen C1864446, MONDO:0011272, OMIM 602772.

Submissions (2):

Myriad Genetics, Inc.
Classification: Pathogenic for Retinitis pigmentosa 25. Last evaluated: 2025-09-23. Review status: criteria provided, single submitter. Criteria: Myriad Autosomal Dominant, Autosomal Recessive and X-Linked Classification Criteria (2023). Collection method: clinical testing. Allele origin: unknown.
Comment: NM_001142800.1(EYS):c.8695delT(C2899Afs*19) is a frameshift variant classified as pathogenic in the context of retinitis pigmentosa, EYS-related. C2899Afs*19 has been observed in a case with relevant disease (PMID: 36284460). Relevant functional assessments of this variant are not available in the literature. C2899Afs*19 has not been observed in referenced population frequency databases. In summary, NM_001142800.1(EYS):c.8695delT(C2899Afs*19) is a frameshift variant in a gene where loss of function is a known mechanism of disease, is predicted to disrupt protein function, and has been observed more frequently in cases with the relevant disease than in healthy populations. Please note: this variant was assessed in the context of healthy population screening.

Dept Of Ophthalmology, Nagoya University
Classification: Uncertain significance for Retinal dystrophy. Last evaluated: 2023-10-01. Review status: criteria provided, single submitter. Criteria: Submitter's publication. Collection method: research. Allele origin: germline. Affected: yes.

Literature cited by the submitters: PubMed 36284460 (cited by Myriad Genetics, Inc.).

NM_001142800.2(EYS):c.8695del (p.Cys2899fs)

Genes: EYS (EGF-like photoreceptor maintenance factor; minus strand), PHF3 (PHD finger protein 3; plus strand). Cytogenetic location: 6q12.
Variant type: Deletion.
Coding change: c.8695del on transcript NM_001142800.2 (MANE Select); coding-DNA position 8695, one base deleted (T; older notation c.8695delT).
Protein change: p.Cys2899fs; shifts the reading frame from cysteine 2899.
Molecular consequence: frameshift variant. On other transcripts: 3 prime UTR variant (5).
Genome position (GRCh38, 1-based): chr6:63,721,336, A deleted on the plus strand (T on the coding strand, the reverse complement: EYS is on the minus strand); the first of 2 consecutive A bases (chr6:63,721,336-63,721,337); deleting either gives the same sequence. VCF-style (leftmost placement, unchanged base first): chr6-63721335-CA-C. GRCh37 (hg19) VCF-style: chr6-64431231-CA-C.
Other names: c.8695delT (NM_001142800.2); c.*7629del (NM_001290259.2, NM_001370348.2, NM_001370349.2 and 2 more transcripts); c.8758del, p.Cys2920fs (NM_001292009.2); short protein forms C2899fs, C2920fs.
Identifiers: ClinVar variation 3027759 (VCV003027759.2), dbSNP rs2533390410, ClinGen allele CA2695206718.
Genomic context (GRCh38, chr6:63,721,335, plus strand): 5'-TTATTCAAACAGGACACAGACTGGTTACATGTATTTCCAGCCCAATCTGGCAAACATCTG[CA>C]AGAAAAAGTTGTGCCATTTACTGTACATTCACCTCCATTTCTGCATGTGTTGTACCCACA-3'